The following is an entry in ClinVar:

NM_004380.3(CREBBP):c.4561-3C>A

Gene: CREBBP (CREB binding lysine acetyltransferase; minus strand). Cytogenetic location: 16p13.3.
Variant type: single nucleotide variant.
Coding change: c.4561-3C>A on transcript NM_004380.3 (MANE Select); 3 bases into the intron before coding-DNA position 4561, C replaced by A.
Molecular consequence: intron variant.
Genome position (GRCh38, 1-based): chr16:3,736,206, G>T on the plus strand (C>A on the coding strand, the complement: CREBBP is on the minus strand). VCF-style: chr16-3736206-G-T. GRCh37 (hg19) VCF-style: chr16-3786207-G-T.
Other names: c.4447-3C>A (NM_001079846.1).
Identifiers: ClinVar variation 2865851 (VCV002865851.4), dbSNP rs773227019, ClinGen allele CA7869480.

ClinVar aggregate classification (germline): Uncertain significance (1 of 4 stars; one submission).

Conditions:
Rubinstein-Taybi syndrome (RSTS). Identifiers: Orphanet 783, MedGen C0035934, MONDO:0019188.

Allele frequency attached by ClinVar (database versions not stated): ExAC 0.00001.

Submissions (2):

Labcorp Genetics (formerly Invitae), Labcorp
Classification: Uncertain significance for Rubinstein-Taybi syndrome. Last evaluated: 2025-10-21. Review status: criteria provided, single submitter. Criteria: Invitae Variant Classification Sherloc (09022015). Collection method: clinical testing. Allele origin: germline.
Comment: This sequence change falls in intron 27 of the CREBBP gene. It does not directly change the encoded amino acid sequence of the CREBBP protein. It affects a nucleotide within the consensus splice site. This variant is present in population databases (rs773227019, gnomAD 0.006%). This variant has not been reported in the literature in individuals affected with CREBBP-related conditions. ClinVar contains an entry for this variant (Variation ID: 2865851). Variants that disrupt the consensus splice site are a relatively common cause of aberrant splicing (PMID: 17576681, 9536098). Algorithms developed to predict the effect of sequence changes on RNA splicing suggest that this variant is not likely to affect RNA splicing. In summary, the available evidence is currently insufficient to determine the role of this variant in disease. Therefore, it has been classified as a Variant of Uncertain Significance.

Dr. Peter K. Rogan Lab, Western University
No classification provided (evidence only). Condition: Uterine corpus endometrial carcinoma. Review status: no classification provided. Collection method: in vitro. Allele origin: not applicable. Functional consequence: retained intron. Not counted in ClinVar's aggregate classification.

Literature cited by the submitters: PubMed 17576681 (cited by Labcorp Genetics (formerly Invitae), Labcorp); PubMed 9536098 (cited by Labcorp Genetics (formerly Invitae), Labcorp).